The following is an entry in ClinVar:

NM_020374.4(FERRY3):c.833T>A (p.Leu278Ter)

Gene: FERRY3 (FERRY endosomal RAB5 effector complex subunit 3; minus strand). Cytogenetic location: 12p13.32.
Variant type: single nucleotide variant.
Coding change: c.833T>A on transcript NM_020374.4 (MANE Select); coding-DNA position 833, T replaced by A.
Protein change: p.Leu278Ter; replaces leucine 278 with a stop codon.
Molecular consequence: nonsense. On other transcripts: intron variant (1).
Genome position (GRCh38, 1-based): chr12:4,518,776, A>T on the plus strand (T>A on the coding strand, the complement: FERRY3 is on the minus strand). VCF-style: chr12-4518776-A-T. GRCh37 (hg19) VCF-style: chr12-4627942-A-T.
Other names: c.833T>A, p.Leu278Ter (NM_001304811.2, NM_001346153.2, NM_001346155.2); c.314T>A, p.Leu105Ter (NM_001346156.2, NM_001346157.2); c.-17-521T>A (NM_001352962.2); short protein forms L105*, L278*.
Identifiers: ClinVar variation 4850160 (VCV004850160.1).

ClinVar aggregate classification (germline): Likely pathogenic (1 of 4 stars; one submission).

Conditions:
Intellectual developmental disorder, autosomal recessive 66. Also called: Mental retardation, autosomal recessive 66; Intellectual disability, autosomal recessive 66. Identifiers: MedGen C4748732, MONDO:0032605, OMIM 618221.

gnomAD v4.1: 4 of 1,535,464 alleles (0.00026%); highest among the groups gnomAD compares: Non-Finnish European, 0.00036%; no homozygotes.

Submission:

Variantyx, Inc.
Classification: Likely pathogenic for Intellectual developmental disorder, autosomal recessive 66. Last evaluated: 2025-09-03. Review status: criteria provided, single submitter. Criteria: Variantyx Assertion Criteria 2022. Collection method: clinical testing. Allele origin: germline. Inheritance: Autosomal recessive inheritance. Affected: no.
Comment: This is a nonsense variant in the C12orf4 gene (OMIM: 616082). Pathogenic variants in this gene have been associated with autosomal recessive intellectual developmental disorder 66. This variant introduces a premature termination codon in exon 7 out of 14 and is expected to result in loss of function, which is a known disease mechanism for C12orf4 in this disorder (PVS1) (PMID:25558065). This variant has a 0.0004% maximum allele frequency in non-founder control populations (PM2). Based on the current evidence, this variant is classified as likely pathogenic for autosomal recessive intellectual developmental disorder 66.

Literature cited by the submitters: PubMed 25558065.